The following is an entry in ClinVar:

ClinVar aggregate classification (germline): Uncertain significance. Review status: criteria provided, multiple submitters, no conflicts (2 of 4 stars). 6 submissions from 6 submitters: Uncertain significance (5). 1 of the submissions does not count toward it. Last evaluated 2025-07-01.

Conditions:
Charcot-Marie-Tooth Neuropathy X. Identifiers: MedGen CN118851.
Combined oxidative phosphorylation deficiency. Identifiers: MedGen C4540031, MONDO:0000732.
Severe X-linked mitochondrial encephalomyopathy. Also called: ENCEPHALOMYOPATHY, MITOCHONDRIAL, X-LINKED. Identifiers: Orphanet 238329, MedGen C3151753, MONDO:0010437, OMIM 300816.

Allele frequency attached by ClinVar (database versions not stated): gnomAD 0.00001; gnomAD exomes 0.00001 and 0.00002; TOPMed 0.00001; ExAC 0.00002.
gnomAD v4.1: 14 of 1,210,520 alleles (0.0012%); highest among the groups gnomAD compares: Admixed American, 0.0044%; no homozygotes.

Submissions (6):

Institute of Human Genetics, University of Leipzig Medical Center
Classification: Uncertain significance for Severe X-linked mitochondrial encephalomyopathy. Last evaluated: 2025-07-01. Review status: criteria provided, single submitter. Criteria: ACMG Guidelines, 2015. Collection method: clinical testing. Allele origin: maternal. Inheritance: X-linked recessive inheritance. Affected: yes.

Revvity Omics, Revvity
Classification: Uncertain significance. Last evaluated: 2025-01-21. Review status: criteria provided, single submitter. Criteria: ACMG Guidelines, 2015. Collection method: clinical testing. Allele origin: germline.

GeneDx
Classification: Uncertain significance. Last evaluated: 2024-11-12. Review status: criteria provided, single submitter. Criteria: GeneDx Variant Classification Process June 2021. Collection method: clinical testing. Allele origin: germline. Affected: yes.
Comment: In silico analysis supports that this missense variant does not alter protein structure/function; This variant is associated with the following publications: (PMID: 31178897, 34416374, 32376792)

Labcorp Genetics (formerly Invitae), Labcorp
Classification: Uncertain significance for Charcot-Marie-Tooth Neuropathy X; Combined oxidative phosphorylation deficiency. Last evaluated: 2024-02-24. Review status: criteria provided, single submitter. Criteria: Invitae Variant Classification Sherloc (09022015). Collection method: clinical testing. Allele origin: germline.
Comment: This sequence change replaces arginine, which is basic and polar, with glutamine, which is neutral and polar, at codon 151 of the AIFM1 protein (p.Arg151Gln). This variant is present in population databases (rs752742151, gnomAD 0.008%). This missense change has been observed in individual(s) with clinical features of AIFM1-related conditions and/or deafness (PMID: 31178897, 32376792, 34416374). ClinVar contains an entry for this variant (Variation ID: 214082). Advanced modeling of protein sequence and biophysical properties (such as structural, functional, and spatial information, amino acid conservation, physicochemical variation, residue mobility, and thermodynamic stability) has been performed at Invitae for this missense variant, however the output from this modeling did not meet the statistical confidence thresholds required to predict the impact of this variant on AIFM1 protein function. In summary, the available evidence is currently insufficient to determine the role of this variant in disease. Therefore, it has been classified as a Variant of Uncertain Significance.

Center for Pediatric Genomic Medicine, Children's Mercy Hospital and Clinics
Classification: Uncertain significance. Last evaluated: 2016-10-24. Review status: criteria provided, single submitter. Criteria: ACMG Guidelines, 2015. Collection method: clinical testing. Allele origin: germline.
ClinVar note: Converted during submission from Uncertain Significance to Uncertain significance.

Biochemistry Laboratory of CDMU, Chengde Medical University
Classification: Likely pathogenic for Severe X-linked mitochondrial encephalomyopathy. Review status: no assertion criteria provided. Criteria: ACMG Guidelines, 2015. Collection method: case-control. Allele origin: inherited. Affected: yes. Not counted in ClinVar's aggregate classification.

Literature cited by the submitters: PubMed 31178897 (cited by Labcorp Genetics (formerly Invitae), Labcorp); PubMed 32376792 (cited by Labcorp Genetics (formerly Invitae), Labcorp); PubMed 34416374 (cited by Labcorp Genetics (formerly Invitae), Labcorp).

NM_004208.4(AIFM1):c.452G>A (p.Arg151Gln)

Genes: AIFM1 (apoptosis inducing factor mitochondria associated 1; minus strand), RAB33A (RAB33A, member RAS oncogene family; plus strand). Cytogenetic location: Xq26.1.
Variant type: single nucleotide variant.
Coding change: c.452G>A on transcript NM_004208.4 (MANE Select); coding-DNA position 452, G replaced by A.
Protein change: p.Arg151Gln; replaces arginine 151 with glutamine.
Molecular consequence: missense variant. On other transcripts: non-coding transcript variant (1).
Genome position (GRCh38, 1-based): chrX:130,147,774, C>T on the plus strand (G>A on the coding strand, the complement: AIFM1 is on the minus strand). VCF-style: chrX-130147774-C-T. GRCh37 (hg19) VCF-style: chrX-129281749-C-T.
Other names: p.R151Q:CGG>CAG; c.452G>A, p.Arg151Gln (NM_001130847.4); c.440G>A, p.Arg147Gln (NM_145812.3); short protein forms R151Q, R147Q.
Identifiers: ClinVar variation 214082 (VCV000214082.23), dbSNP rs752742151, ClinGen allele CA320452.